The following is an entry in ClinVar:

NM_000093.5(COL5A1):c.5375A>G (p.Lys1792Arg)

Genes: COL5A1 (collagen type V alpha 1 chain; plus strand), LOC101448202 (uncharacterized LOC101448202; minus strand). Cytogenetic location: 9q34.3.
Variant type: single nucleotide variant.
Coding change: c.5375A>G on transcript NM_000093.5 (MANE Select); coding-DNA position 5375, A replaced by G.
Protein change: p.Lys1792Arg; replaces lysine 1792 with arginine.
Molecular consequence: missense variant.
Genome position (GRCh38, 1-based): chr9:134,842,161, A>G. VCF-style: chr9-134842161-A-G. GRCh37 (hg19) VCF-style: chr9-137734007-A-G.
Other names: c.5375A>G, p.Lys1792Arg (NM_001278074.1); short protein forms K1792R.
Identifiers: ClinVar variation 2501627 (VCV002501627.4), dbSNP rs1417174760, ClinGen allele CA375461704.

ClinVar aggregate classification (germline): Conflicting classifications of pathogenicity. Review status: criteria provided, conflicting classifications (1 of 4 stars). 3 submissions from 3 submitters: Uncertain significance (2); Likely benign (1). Last evaluated 2025-08-19.

Conditions:
Ehlers-Danlos syndrome, classic type, 1 (EDSCL1). Also called: EDS I; EHLERS-DANLOS SYNDROME, GRAVIS TYPE; EHLERS-DANLOS SYNDROME, SEVERE CLASSIC TYPE; Ehlers-Danlos syndrome, type 1; Ehlers-Danlos Syndrome, Classic Type, COL5A1-Related. Identifiers: MedGen C0268335, MONDO:0019567, OMIM 130000.
Familial thoracic aortic aneurysm and aortic dissection (TAAD). Also called: Thoracic aortic aneurysms and dissections. Identifiers: Orphanet 91387, MedGen C4707243, MONDO:0019625.

Allele frequency attached by ClinVar (database versions not stated): gnomAD exomes 0.00001.
gnomAD v4.1: 12 of 1,614,122 alleles (0.00074%); highest among the groups gnomAD compares: Non-Finnish European, 0.001%; no homozygotes.

Submissions (3):

Ambry Genetics
Classification: Uncertain significance for Familial thoracic aortic aneurysm and aortic dissection. Last evaluated: 2025-08-19. Review status: criteria provided, single submitter. Criteria: Ambry Variant Classification Scheme 2023. Collection method: clinical testing. Allele origin: germline.
Comment: The p.K1792R variant (also known as c.5375A>G), located in coding exon 66 of the COL5A1 gene, results from an A to G substitution at nucleotide position 5375. The lysine at codon 1792 is replaced by arginine, an amino acid with highly similar properties. This amino acid position is not well conserved in available vertebrate species. In addition, this alteration is predicted to be tolerated by in silico analysis. Based on the available evidence, the clinical significance of this variant remains unclear.

Labcorp Genetics (formerly Invitae), Labcorp
Classification: Likely benign for Ehlers-Danlos syndrome, classic type, 1. Last evaluated: 2025-02-02. Review status: criteria provided, single submitter. Criteria: Invitae Variant Classification Sherloc (09022015). Collection method: clinical testing. Allele origin: germline.

GeneDx
Classification: Uncertain significance. Last evaluated: 2022-11-07. Review status: criteria provided, single submitter. Criteria: GeneDx Variant Classification Process June 2021. Collection method: clinical testing. Allele origin: germline. Affected: yes.
Comment: Has not been previously published as pathogenic or benign to our knowledge; Not observed at significant frequency in large population cohorts (gnomAD); At the protein level, in silico analysis supports that this missense variant does not alter protein structure/function; At the mRNA level, in silico analysis suggests this variant may impact gene splicing. In the absence of RNA/functional studies, the actual effect of this sequence change is unknown.; Not located in the triple helical region, where the majority of pathogenic missense variants occur (Symoens et al., 2012; HGMD); This variant is associated with the following publications: (PMID: 22696272)